The following is an entry in ClinVar:

ClinVar aggregate classification (germline): Likely benign (0 of 4 stars; one submission).

Conditions:
SEMA3B-related disorder. Also called: SEMA3B-related condition.

Submission:

PreventionGenetics, part of Exact Sciences
Classification: Likely benign for SEMA3B-related condition. Last evaluated: 2024-04-17. Review status: no assertion criteria provided. Collection method: clinical testing. Allele origin: germline.
Comment: This variant is classified as likely benign based on ACMG/AMP sequence variant interpretation guidelines (Richards et al. 2015 PMID: 25741868, with internal and published modifications).

NM_001290060.2(SEMA3B):c.1239G>A (p.Leu413=)

Gene: SEMA3B (semaphorin 3B; plus strand). Cytogenetic location: 3p21.31.
Variant type: single nucleotide variant.
Coding change: c.1239G>A on transcript NM_001290060.2 (MANE Select); coding-DNA position 1239, G replaced by A.
Protein change: p.Leu413=; no amino-acid change (leucine 413 retained).
Molecular consequence: synonymous variant. On other transcripts: non-coding transcript variant (1).
Genome position (GRCh38, 1-based): chr3:50,274,464, G>A. VCF-style: chr3-50274464-G-A. GRCh37 (hg19) VCF-style: chr3-50311895-G-A.
Other names: c.1236G>A, p.Leu412= (NM_001005914.3); c.1254G>A, p.Leu418= (NM_001290061.1); c.210G>A, p.Leu70= (NM_001290062.2, NM_001290063.2); c.1239G>A, p.Leu413= (NM_004636.4).
Identifiers: ClinVar variation 3356014 (VCV003356014.1).